The following is an entry in ClinVar:

ClinVar aggregate classification (germline): Uncertain significance (1 of 4 stars; one submission).

Allele frequency attached by ClinVar (database versions not stated): TOPMed below 0.00001.

Submission:

Labcorp Genetics (formerly Invitae), Labcorp
Classification: Uncertain significance. Last evaluated: 2022-04-29. Review status: criteria provided, single submitter. Criteria: Invitae Variant Classification Sherloc (09022015). Collection method: clinical testing. Allele origin: germline.
Comment: In summary, the available evidence is currently insufficient to determine the role of this variant in disease. Therefore, it has been classified as a Variant of Uncertain Significance. Advanced modeling of protein sequence and biophysical properties (such as structural, functional, and spatial information, amino acid conservation, physicochemical variation, residue mobility, and thermodynamic stability) performed at Invitae indicates that this missense variant is not expected to disrupt COL2A1 protein function. This variant has not been reported in the literature in individuals affected with COL2A1-related conditions. This variant is not present in population databases (gnomAD no frequency). This sequence change replaces aspartic acid, which is acidic and polar, with asparagine, which is neutral and polar, at codon 568 of the COL2A1 protein (p.Asp568Asn).

NM_001844.5(COL2A1):c.1702G>A (p.Asp568Asn)

Gene: COL2A1 (collagen type II alpha 1 chain; minus strand). Cytogenetic location: 12q13.11.
Variant type: single nucleotide variant.
Coding change: c.1702G>A on transcript NM_001844.5 (MANE Select); coding-DNA position 1702, G replaced by A.
Protein change: p.Asp568Asn; replaces aspartic acid 568 with asparagine.
Molecular consequence: missense variant.
Genome position (GRCh38, 1-based): chr12:47,985,566, C>T on the plus strand (G>A on the coding strand, the complement: COL2A1 is on the minus strand). VCF-style: chr12-47985566-C-T. GRCh37 (hg19) VCF-style: chr12-48379349-C-T.
Other names: c.1495G>A, p.Asp499Asn (NM_033150.3); short protein forms D499N, D568N.
Identifiers: ClinVar variation 2131985 (VCV002131985.4), dbSNP rs1939348647, ClinGen allele CA384551108.